The following is an entry in ClinVar:

NM_000891.3(KCNJ2):c.290T>C (p.Leu97Pro)

Gene: KCNJ2 (potassium inwardly rectifying channel subfamily J member 2; plus strand). Cytogenetic location: 17q24.3.
Variant type: single nucleotide variant.
Coding change: c.290T>C on transcript NM_000891.3 (MANE Select); coding-DNA position 290, T replaced by C.
Protein change: p.Leu97Pro; replaces leucine 97 with proline.
Molecular consequence: missense variant.
Genome position (GRCh38, 1-based): chr17:70,175,329, T>C. VCF-style: chr17-70175329-T-C. GRCh37 (hg19) VCF-style: chr17-68171470-T-C.
Other names: short protein forms L97P.
Identifiers: ClinVar variation 1480533 (VCV001480533.8), dbSNP rs2144376751, ClinGen allele CA400860276.

ClinVar aggregate classification (germline): Uncertain significance (1 of 4 stars; one submission).

Conditions:
Andersen Tawil syndrome (LQT7). Also called: ANDERSEN CARDIODYSRHYTHMIC PERIODIC PARALYSIS; Andersen Syndrome; PERIODIC PARALYSIS, POTASSIUM-SENSITIVE CARDIODYSRHYTHMIC TYPE; LONG QT SYNDROME 7; Potassium-sensitive periodic paralysis, ventricular ectopy, and dysmorphic features. Identifiers: Orphanet 37553, MedGen C1563715, MONDO:0008222, OMIM 170390.
Short QT syndrome type 3. Identifiers: Orphanet 51083, MedGen C1865018, MONDO:0012314, OMIM 609622.

Submission:

Labcorp Genetics (formerly Invitae), Labcorp
Classification: Uncertain significance for Short QT syndrome type 3; Andersen Tawil syndrome. Last evaluated: 2021-06-01. Review status: criteria provided, single submitter. Criteria: Invitae Variant Classification Sherloc (09022015). Collection method: clinical testing. Allele origin: germline.
Comment: In summary, the available evidence is currently insufficient to determine the role of this variant in disease. Therefore, it has been classified as a Variant of Uncertain Significance. Algorithms developed to predict the effect of missense changes on protein structure and function are either unavailable or do not agree on the potential impact of this missense change (SIFT: "Tolerated"; PolyPhen-2: "Probably Damaging"; Align-GVGD: "Class C0"). This variant has not been reported in the literature in individuals with KCNJ2-related conditions. This variant is not present in population databases (ExAC no frequency). This sequence change replaces leucine with proline at codon 97 of the KCNJ2 protein (p.Leu97Pro). The leucine residue is highly conserved and there is a moderate physicochemical difference between leucine and proline.